The following is an entry in ClinVar:

NM_002968.3(SALL1):c.1417G>T (p.Gly473Ter)

Gene: SALL1 (spalt like transcription factor 1; minus strand). Cytogenetic location: 16q12.1.
Variant type: single nucleotide variant.
Coding change: c.1417G>T on transcript NM_002968.3 (MANE Select); coding-DNA position 1417, G replaced by T.
Protein change: p.Gly473Ter; replaces glycine 473 with a stop codon.
Molecular consequence: nonsense.
Genome position (GRCh38, 1-based): chr16:51,140,805, C>A on the plus strand (G>T on the coding strand, the complement: SALL1 is on the minus strand). VCF-style: chr16-51140805-C-A. GRCh37 (hg19) VCF-style: chr16-51174716-C-A.
Other names: c.1126G>T, p.Gly376Ter (NM_001127892.2); short protein forms G376*, G473*.
Identifiers: ClinVar variation 2005719 (VCV002005719.4), dbSNP rs188182072, ClinGen allele CA395888660.
Genomic context (GRCh38, chr16:51,140,805, plus strand): 5'-TCAGATTCCCCTTGGTGGAGAACCTGTTCCCGCAGATGTTGCACTTGAATGGCCTCTCTC[C>A]GGTATGGGAACGCAAGTGGATCTGCAAGGCACTGTCACTCCCAAAGACCTTCGCGCAGAA-3'

ClinVar aggregate classification (germline): Pathogenic (1 of 4 stars; one submission).

Conditions:
Townes syndrome (TBS). Also called: Townes-Brocks syndrome. Identifiers: Orphanet 857, MedGen C0265246, MeSH C536974, MONDO:0007142.

Submission:

Labcorp Genetics (formerly Invitae), Labcorp
Classification: Pathogenic for Townes syndrome. Last evaluated: 2022-06-13. Review status: criteria provided, single submitter. Criteria: Invitae Variant Classification Sherloc (09022015). Collection method: clinical testing. Allele origin: germline.
Comment: This sequence change creates a premature translational stop signal (p.Gly473*) in the SALL1 gene. It is expected to result in an absent or disrupted protein product. Loss-of-function variants in SALL1 are known to be pathogenic (PMID: 9973281, 12915476, 16088922, 23069192). This variant is not present in population databases (gnomAD no frequency). This variant has not been reported in the literature in individuals affected with SALL1-related conditions. For these reasons, this variant has been classified as Pathogenic.

Literature cited by the submitters: PubMed 9973281; PubMed 12915476; PubMed 16088922; PubMed 23069192.